The following is an entry in ClinVar:

ClinVar aggregate classification (germline): Pathogenic (1 of 4 stars; one submission).

Submission:

Labcorp Genetics (formerly Invitae), Labcorp
Classification: Pathogenic. Last evaluated: 2024-01-04. Review status: criteria provided, single submitter. Criteria: Invitae Variant Classification Sherloc (09022015). Collection method: clinical testing. Allele origin: germline.
Comment: This sequence change creates a premature translational stop signal (p.Glu31*) in the EYS gene. It is expected to result in an absent or disrupted protein product. Loss-of-function variants in EYS are known to be pathogenic (PMID: 18836446, 20333770). This variant is not present in population databases (gnomAD no frequency). This variant has not been reported in the literature in individuals affected with EYS-related conditions. ClinVar contains an entry for this variant (Variation ID: 1380225). For these reasons, this variant has been classified as Pathogenic.

Literature cited by the submitters: PubMed 18836446; PubMed 20333770.

NM_001142800.2(EYS):c.91G>T (p.Glu31Ter)

Gene: EYS (EGF-like photoreceptor maintenance factor; minus strand). Cytogenetic location: 6q12.
Variant type: single nucleotide variant.
Coding change: c.91G>T on transcript NM_001142800.2 (MANE Select); coding-DNA position 91, G replaced by T.
Protein change: p.Glu31Ter; replaces glutamic acid 31 with a stop codon.
Molecular consequence: nonsense.
Genome position (GRCh38, 1-based): chr6:65,495,320, C>A on the plus strand (G>T on the coding strand, the complement: EYS is on the minus strand). VCF-style: chr6-65495320-C-A. GRCh37 (hg19) VCF-style: chr6-66205213-C-A.
Other names: c.91G>T, p.Glu31Ter (NM_001142801.2, NM_001292009.2, NM_198283.2); short protein forms E31*.
Identifiers: ClinVar variation 1380225 (VCV001380225.6), dbSNP rs572189652, ClinGen allele CA364790675.